The following is an entry in ClinVar:

NM_001127208.3(TET2):c.4289G>C (p.Gly1430Ala)

Genes: TET2 (tet methylcytosine dioxygenase 2; plus strand), TET2-AS1 (TET2 antisense RNA 1; minus strand). Cytogenetic location: 4q24.
Variant type: single nucleotide variant.
Coding change: c.4289G>C on transcript NM_001127208.3 (MANE Select); coding-DNA position 4289, G replaced by C.
Protein change: p.Gly1430Ala; replaces glycine 1430 with alanine.
Molecular consequence: missense variant.
Genome position (GRCh38, 1-based): chr4:105,272,670, G>C. VCF-style: chr4-105272670-G-C. GRCh37 (hg19) VCF-style: chr4-106193827-G-C.
Other names: short protein forms G1430A.
Identifiers: ClinVar variation 2696888 (VCV002696888.3), dbSNP rs1731022370, ClinGen allele CA357811389.

ClinVar aggregate classification (germline): Uncertain significance (1 of 4 stars; one submission).

Submission:

Labcorp Genetics (formerly Invitae), Labcorp
Classification: Uncertain significance. Last evaluated: 2023-11-17. Review status: criteria provided, single submitter. Criteria: Invitae Variant Classification Sherloc (09022015). Collection method: clinical testing. Allele origin: germline.
Comment: This sequence change replaces glycine, which is neutral and non-polar, with alanine, which is neutral and non-polar, at codon 1430 of the TET2 protein (p.Gly1430Ala). This variant is not present in population databases (gnomAD no frequency). This variant has not been reported in the literature in individuals affected with TET2-related conditions. An algorithm developed to predict the effect of missense changes on protein structure and function (PolyPhen-2) suggests that this variant is likely to be disruptive. In summary, the available evidence is currently insufficient to determine the role of this variant in disease. Therefore, it has been classified as a Variant of Uncertain Significance.